The following is an entry in ClinVar:

ClinVar aggregate classification (germline): Uncertain significance (1 of 4 stars; one submission).

Conditions:
Hereditary intrinsic factor deficiency (IFD). Also called: Congenital intrinsic factor deficiency; PERNICIOUS ANEMIA, CONGENITAL, DUE TO DEFECT OF INTRINSIC FACTOR. Identifiers: Orphanet 332, MedGen C2062370, MONDO:0009852, OMIM 261000.

Allele frequency attached by ClinVar (database versions not stated): ExAC 0.00004; TOPMed 0.00006; gnomAD 0.00007 and 0.00008; ESP Exome Variant Server 0.00008; gnomAD exomes 0.00008 and 0.00022.
gnomAD v4.1: 258 of 1,340,848 alleles (0.019%); highest among the groups gnomAD compares: Non-Finnish European, 0.027%; no homozygotes.

Submission:

Labcorp Genetics (formerly Invitae), Labcorp
Classification: Uncertain significance for Hereditary intrinsic factor deficiency. Last evaluated: 2020-08-08. Review status: criteria provided, single submitter. Criteria: Invitae Variant Classification Sherloc (09022015). Collection method: clinical testing. Allele origin: germline.
Comment: This variant has not been reported in the literature in individuals with GIF-related conditions. In summary, the available evidence is currently insufficient to determine the role of this variant in disease. Therefore, it has been classified as a Variant of Uncertain Significance. Algorithms developed to predict the effect of sequence changes on RNA splicing suggest that this variant may create or strengthen a splice site, but this prediction has not been confirmed by published transcriptional studies. Algorithms developed to predict the effect of missense changes on protein structure and function output the following: SIFT: "Deleterious"; PolyPhen-2: "Benign"; Align-GVGD: "Class C35". The valine amino acid residue is found in multiple mammalian species, suggesting that this missense change does not adversely affect protein function. These predictions have not been confirmed by published functional studies and their clinical significance is uncertain. This variant is present in population databases (rs150005713, ExAC 0.007%). This sequence change replaces glutamic acid with valine at codon 397 of the GIF protein (p.Glu397Val). The glutamic acid residue is highly conserved and there is a moderate physicochemical difference between glutamic acid and valine.

NM_005142.3(CBLIF):c.1190A>T (p.Glu397Val)

Gene: CBLIF (cobalamin binding intrinsic factor; minus strand). Cytogenetic location: 11q12.1.
Variant type: single nucleotide variant.
Coding change: c.1190A>T on transcript NM_005142.3 (MANE Select); coding-DNA position 1190, A replaced by T.
Protein change: p.Glu397Val; replaces glutamic acid 397 with valine.
Molecular consequence: missense variant.
Genome position (GRCh38, 1-based): chr11:59,831,680, T>A on the plus strand (A>T on the coding strand, the complement: CBLIF is on the minus strand). VCF-style: chr11-59831680-T-A. GRCh37 (hg19) VCF-style: chr11-59599153-T-A.
Other names: short protein forms E397V.
Identifiers: ClinVar variation 1008760 (VCV001008760.5), dbSNP rs150005713, ClinGen allele CA6021363.